The following is an entry in ClinVar:

NM_001983.4(ERCC1):c.183C>T (p.Ala61=)

Gene: ERCC1 (ERCC excision repair 1, endonuclease non-catalytic subunit; minus strand). Cytogenetic location: 19q13.32.
Variant type: single nucleotide variant.
Coding change: c.183C>T on transcript NM_001983.4 (MANE Select); coding-DNA position 183, C replaced by T.
Protein change: p.Ala61=; no amino-acid change (alanine 61 retained).
Molecular consequence: synonymous variant.
Genome position (GRCh38, 1-based): chr19:45,421,316, G>A on the plus strand (C>T on the coding strand, the complement: ERCC1 is on the minus strand). VCF-style: chr19-45421316-G-A. GRCh37 (hg19) VCF-style: chr19-45924574-G-A.
Other names: c.183C>T, p.Ala61= (NM_001166049.2, NM_001369408.1, NM_001369409.1 and 11 more transcripts).
Identifiers: ClinVar variation 722979 (VCV000722979.31), dbSNP rs139648033, ClinGen allele CA9515539.

ClinVar aggregate classification (germline): Likely benign. Review status: criteria provided, multiple submitters, no conflicts (2 of 4 stars). 3 submissions from 3 submitters: Likely benign (3). Last evaluated 2026-01-06.

Allele frequency attached by ClinVar (database versions not stated): 1000 Genomes Project 0.00020; gnomAD exomes 0.00023 and 0.00026; ExAC 0.00024; gnomAD 0.00036 and 0.00039; 1000 Genomes Project 30x 0.00047; TOPMed 0.00056; ESP Exome Variant Server 0.00069.
gnomAD v4.1: 390 of 1,614,102 alleles (0.024%); highest among the groups gnomAD compares: African/African-American, 0.055%; no homozygotes.

Submissions (3):

Labcorp Genetics (formerly Invitae), Labcorp
Classification: Likely benign. Last evaluated: 2026-01-06. Review status: criteria provided, single submitter. Criteria: Invitae Variant Classification Sherloc (09022015). Collection method: clinical testing. Allele origin: germline.

Blueprint Genetics
Classification: Likely benign. Last evaluated: 2024-09-14. Review status: criteria provided, single submitter. Criteria: ACMG Guidelines, 2015. Collection method: clinical testing. Allele origin: germline.

CeGaT Center for Human Genetics Tuebingen
Classification: Likely benign. Last evaluated: 2023-06-01. Review status: criteria provided, single submitter. Criteria: CeGaT Center For Human Genetics Tuebingen Variant Classification Criteria Version 2. Collection method: clinical testing. Allele origin: germline. Affected: yes. Observed: 1 variant allele.
Comment: ERCC1: BP4, BP7